The following is an entry in ClinVar:

NM_000528.4(MAN2B1):c.1026+2T>G

Gene: MAN2B1 (mannosidase alpha class 2B member 1; minus strand). Cytogenetic location: 19p13.13.
Variant type: single nucleotide variant.
Coding change: c.1026+2T>G on transcript NM_000528.4 (MANE Select); the canonical splice donor site of the intron after coding-DNA position 1026, T replaced by G.
Molecular consequence: splice donor variant.
Genome position (GRCh38, 1-based): chr19:12,661,258, A>C on the plus strand (T>G on the coding strand, the complement: MAN2B1 is on the minus strand). VCF-style: chr19-12661258-A-C. GRCh37 (hg19) VCF-style: chr19-12772072-A-C.
Other names: c.1026+2T>G (NM_001173498.2).
Identifiers: ClinVar variation 1343494 (VCV001343494.8), dbSNP rs369099686, ClinGen allele CA9226636.

ClinVar aggregate classification (germline): Pathogenic/Likely pathogenic. Review status: criteria provided, multiple submitters, no conflicts (2 of 4 stars). 4 submissions from 4 submitters: Pathogenic (3); Likely pathogenic (1). Last evaluated 2025-12-02.

Conditions:
Deficiency of alpha-mannosidase (MANSA). Also called: LYSOSOMAL ALPHA-D-MANNOSIDASE DEFICIENCY; Alpha-Mannosidosis; Mannosidosis, alpha-, types I and II. Identifiers: Orphanet 61, MedGen C0024748, MONDO:0009561, OMIM 248500.

Allele frequency attached by ClinVar (database versions not stated): gnomAD exomes 0.00001 and 0.00002; ExAC 0.00002; ESP Exome Variant Server 0.00008.
gnomAD v4.1: 10 of 1,601,304 alleles (0.00062%); highest among the groups gnomAD compares: Non-Finnish European, 0.00086%; no homozygotes.

Submissions (4):

Labcorp Genetics (formerly Invitae), Labcorp
Classification: Pathogenic for Deficiency of alpha-mannosidase. Last evaluated: 2025-12-02. Review status: criteria provided, single submitter. Criteria: Invitae Variant Classification Sherloc (09022015). Collection method: clinical testing. Allele origin: germline.
Comment: This sequence change affects a donor splice site in intron 7 of the MAN2B1 gene. It is expected to disrupt RNA splicing. Variants that disrupt the donor or acceptor splice site typically lead to a loss of protein function (PMID: 16199547), and loss-of-function variants in MAN2B1 are known to be pathogenic (PMID: 9915946, 22161967). This variant is present in population databases (rs369099686, gnomAD 0.004%). Disruption of this splice site has been observed in individual(s) with alpha mannosidosis (PMID: 9915946, 26048034). ClinVar contains an entry for this variant (Variation ID: 1343494). Algorithms developed to predict the effect of variants on gene product structure and function are not available or were not evaluated for this variant. Experimental studies have shown that disruption of this splice site affects MAN2B1 function (PMID: 15035660, 26048034). Algorithms developed to predict the effect of sequence changes on RNA splicing suggest that this variant may disrupt the consensus splice site. For these reasons, this variant has been classified as Pathogenic.

Natera, Inc.
Classification: Pathogenic for Alpha-mannosidosis. Last evaluated: 2025-02-28. Review status: criteria provided, single submitter. Criteria: Natera Variant Classification Schema (03/2026). Collection method: clinical testing. Allele origin: germline.
Comment: The c.1026+2T>G variant in MAN2B1 is a canonical splice donor site variant predicted to affect pre-mRNA splicing, which may result in an abnormal transcript and altered protein product. This variant may result in a truncated or dysfunctional protein product. This variant is rare in the general population with a frequency below the threshold expected for the associated phenotype(s). This variant has been observed in one or more individuals affected with the associated recessive disease, as either homozygous or compound heterozygous with a second variant (PMID: 35871018, 22161967, 26048034, 9915946). Given the available evidence, this variant is classified as Pathogenic.

Women's Health and Genetics/Laboratory Corporation of America, LabCorp
Classification: Pathogenic for Deficiency of alpha-mannosidase. Last evaluated: 2022-02-03. Review status: criteria provided, single submitter. Criteria: LabCorp Variant Classification Summary - May 2015. Collection method: clinical testing. Allele origin: germline.
Comment: Variant summary: MAN2B1 c.1026+2T>G alters a conserved nucleotide located in a canonical splice-site and is predicted to affect mRNA splicing resulting in a significantly altered protein due to either exon skipping, shortening, or inclusion of intronic material. Several computational tools predict a significant impact on normal splicing: Four predict the variant abolishes the canonical 5' splicing donor site. At least one publication reports experimental evidence that this variant affects mRNA splicing resulting in the deletion of the last twelve nucleotides of exon 7 (1015-1026) due to the use of a cryptic alternate upstream splice donor site located at position 1015 in exon 7 (Berg_1999). This translates to p.Val339-Gln342del. The variant allele was found at a frequency of 1.6e-05 in 251418 control chromosomes. c.1026+2T>G has been reported in the literature in multiple individuals affected with Alpha-Mannosidosis (example, Berg_1999, Rise Stensland_2012). These data indicate that the variant is very likely to be associated with disease. At least one publication reports experimental evidence evaluating an impact on protein function (example, Hansen_2004). The most pronounced variant effect results in 10%-<30% of normal alpha mannosidase enzyme activity in an in vitro COS cell expression system. No clinical diagnostic laboratories have submitted clinical-significance assessments for this variant to ClinVar after 2014. Based on the evidence outlined above, the variant was classified as pathogenic.

Fulgent Genetics
Classification: Likely pathogenic for Deficiency of alpha-mannosidase. Last evaluated: 2021-07-14. Review status: criteria provided, single submitter. Criteria: ACMG Guidelines, 2015. Collection method: clinical testing. Allele origin: unknown.

Literature cited by the submitters: PubMed 16199547 (cited by Labcorp Genetics (formerly Invitae), Labcorp); PubMed 9915946 (cited by 3 submitters); PubMed 22161967 (cited by 3 submitters); PubMed 26048034 (cited by 3 submitters); PubMed 15035660 (cited by Labcorp Genetics (formerly Invitae), Labcorp and Women's Health and Genetics/Laboratory Corporation of America, LabCorp); PubMed 35871018 (cited by Natera, Inc.).